The following is an entry in ClinVar:

ClinVar aggregate classification (germline): Uncertain significance (1 of 4 stars; one submission).

Allele frequency attached by ClinVar (database versions not stated): ExAC 0.00001; gnomAD 0.00003; TOPMed 0.00005; 1000 Genomes Project 0.00020; 1000 Genomes Project 30x 0.00031.
gnomAD v4.1: 11 of 1,614,190 alleles (0.00068%); highest among the groups gnomAD compares: African/African-American, 0.008%; no homozygotes.

Submission:

Labcorp Genetics (formerly Invitae), Labcorp
Classification: Uncertain significance. Last evaluated: 2024-02-26. Review status: criteria provided, single submitter. Criteria: Invitae Variant Classification Sherloc (09022015). Collection method: clinical testing. Allele origin: germline.
Comment: This sequence change replaces leucine, which is neutral and non-polar, with valine, which is neutral and non-polar, at codon 242 of the SON protein (p.Leu242Val). This variant is present in population databases (rs567190796, gnomAD 0.01%). This variant has not been reported in the literature in individuals affected with SON-related conditions. ClinVar contains an entry for this variant (Variation ID: 1917645). Algorithms developed to predict the effect of missense changes on protein structure and function output the following: SIFT: "Not Available"; PolyPhen-2: "Benign"; Align-GVGD: "Not Available". The valine amino acid residue is found in multiple mammalian species, which suggests that this missense change does not adversely affect protein function. In summary, the available evidence is currently insufficient to determine the role of this variant in disease. Therefore, it has been classified as a Variant of Uncertain Significance.

NM_138927.4(SON):c.724C>G (p.Leu242Val)

Gene: SON (SON DNA and RNA binding protein; plus strand). Cytogenetic location: 21q22.11.
Variant type: single nucleotide variant.
Coding change: c.724C>G on transcript NM_138927.4 (MANE Select); coding-DNA position 724, C replaced by G.
Protein change: p.Leu242Val; replaces leucine 242 with valine.
Molecular consequence: missense variant. On other transcripts: non-coding transcript variant (1), intron variant (1).
Genome position (GRCh38, 1-based): chr21:33,549,955, C>G. VCF-style: chr21-33549955-C-G. GRCh37 (hg19) VCF-style: chr21-34922261-C-G.
Other names: c.724C>G, p.Leu242Val (NM_001291411.2, NM_001412133.1, NM_032195.3 and 2 more transcripts); c.244+3576C>G (NM_001291412.3); short protein forms L242V.
Identifiers: ClinVar variation 1917645 (VCV001917645.4), dbSNP rs567190796, ClinGen allele CA10008740.